The following is an entry in ClinVar:

NM_018489.3(ASH1L):c.6895G>A (p.Ala2299Thr)

Gene: ASH1L (ASH1 like histone lysine methyltransferase; minus strand). Cytogenetic location: 1q22.
Variant type: single nucleotide variant.
Coding change: c.6895G>A on transcript NM_018489.3 (MANE Select); coding-DNA position 6895, G replaced by A.
Protein change: p.Ala2299Thr; replaces alanine 2299 with threonine.
Molecular consequence: missense variant.
Genome position (GRCh38, 1-based): chr1:155,357,650, C>T on the plus strand (G>A on the coding strand, the complement: ASH1L is on the minus strand). VCF-style: chr1-155357650-C-T. GRCh37 (hg19) VCF-style: chr1-155327441-C-T.
Other names: c.6910G>A, p.Ala2304Thr (NM_001366177.2); short protein forms A2299T, A2304T.
Identifiers: ClinVar variation 3377573 (VCV003377573.1).

ClinVar aggregate classification (germline): Uncertain significance (1 of 4 stars; one submission).

Conditions:
Intellectual developmental disorder, autosomal dominant 52. Also called: Intellectual disability, autosomal dominant 52; Mental retardation, autosomal dominant 52. Identifiers: MedGen C4540478, MONDO:0030918, OMIM 617796.

gnomAD v4.1: 21 of 1,613,992 alleles (0.0013%); highest among the groups gnomAD compares: East Asian, 0.029%; no homozygotes.

Submission:

Neuberg Centre For Genomic Medicine, NCGM
Classification: Uncertain significance for Intellectual developmental disorder, autosomal dominant 52. Review status: criteria provided, single submitter. Criteria: ACMG Guidelines, 2015. Collection method: clinical testing. Allele origin: germline. Inheritance: Autosomal dominant inheritance. Affected: yes.
Comment: The missense variant c.6895G>A (p.Ala2299Thr) in the ASH1L gene has not been reported previously as a pathogenic variant nor as a benign variant, to our knowledge. This variant is reported with the allele frequency (0.001%) in the gnomAD Exomes. The amino acid Alanine at position 2299 is changed to a Threonine changing protein sequence and it might alter its composition and physico-chemical properties. Computational evidence (Polyphen, SIFT and MutationTaster) predicts conflicting evidence on protein structure and function for this variant. For these reasons, this variant has been classified as Uncertain Significance.